The following is an entry in ClinVar:

NM_145178.4(ATOH7):c.70G>T (p.Glu24Ter)

Genes: ATOH7 (atonal bHLH transcription factor 7; minus strand), LOC130003943 (ATAC-STARR-seq lymphoblastoid silent region 2418; plus strand). Cytogenetic location: 10q21.3.
Variant type: single nucleotide variant.
Coding change: c.70G>T on transcript NM_145178.4 (MANE Select); coding-DNA position 70, G replaced by T.
Protein change: p.Glu24Ter; replaces glutamic acid 24 with a stop codon.
Molecular consequence: nonsense.
Genome position (GRCh38, 1-based): chr10:68,231,608, C>A on the plus strand (G>T on the coding strand, the complement: ATOH7 is on the minus strand). VCF-style: chr10-68231608-C-A. GRCh37 (hg19) VCF-style: chr10-69991365-C-A.
Other names: short protein forms E24*.
Identifiers: ClinVar variation 1504647 (VCV001504647.5), dbSNP rs2044028190, ClinGen allele CA376837655.

ClinVar aggregate classification (germline): Uncertain significance. Review status: criteria provided, multiple submitters, no conflicts (2 of 4 stars). 2 submissions from 2 submitters: Uncertain significance (2). Last evaluated 2023-08-04.

Allele frequency attached by ClinVar (database versions not stated): TOPMed 0.00001.

Submissions (2):

Labcorp Genetics (formerly Invitae), Labcorp
Classification: Uncertain significance. Last evaluated: 2023-08-04. Review status: criteria provided, single submitter. Criteria: Invitae Variant Classification Sherloc (09022015). Collection method: clinical testing. Allele origin: germline.
Comment: This sequence change creates a premature translational stop signal (p.Glu24*) in the ATOH7 gene. While this is not anticipated to result in nonsense mediated decay, it is expected to disrupt the last 129 amino acid(s) of the ATOH7 protein. This variant is not present in population databases (gnomAD no frequency). This variant has not been reported in the literature in individuals affected with ATOH7-related conditions. ClinVar contains an entry for this variant (Variation ID: 1504647). Experimental studies and prediction algorithms are not available or were not evaluated, and the functional significance of this variant is currently unknown. In summary, the available evidence is currently insufficient to determine the role of this variant in disease. Therefore, it has been classified as a Variant of Uncertain Significance.

Blueprint Genetics
Classification: Uncertain significance. Last evaluated: 2022-03-22. Review status: criteria provided, single submitter. Criteria: ACMG Guidelines, 2015. Collection method: clinical testing. Allele origin: germline.